The following is an entry in ClinVar:

ClinVar aggregate classification (germline): Uncertain significance (1 of 4 stars; one submission).

Conditions:
Hereditary cancer-predisposing syndrome. Also called: Tumor predisposition; Neoplastic Syndromes, Hereditary; Hereditary Cancer Syndrome; Hereditary neoplastic syndrome. Identifiers: Orphanet 140162, MedGen C0027672, MeSH D009386, MONDO:0015356.

Submission:

Ambry Genetics
Classification: Uncertain significance for Hereditary cancer-predisposing syndrome. Last evaluated: 2024-12-23. Review status: criteria provided, single submitter. Criteria: Ambry Variant Classification Scheme 2023. Collection method: clinical testing. Allele origin: germline.
Comment: The p.R923S variant (also known as c.2769A>T), located in coding exon 15 of the APC gene, results from an A to T substitution at nucleotide position 2769. The arginine at codon 923 is replaced by serine, an amino acid with dissimilar properties. This amino acid position is conserved. In addition, in silico predictors for this gene do not accurately predict pathogenicity. Based on the available evidence, the clinical significance of this variant remains unclear.

NM_000038.6(APC):c.2769A>T (p.Arg923Ser)

Gene: APC (APC regulator of Wnt signaling pathway; plus strand). Cytogenetic location: 5q22.2.
Variant type: single nucleotide variant.
Coding change: c.2769A>T on transcript NM_000038.6 (MANE Select); coding-DNA position 2769, A replaced by T.
Protein change: p.Arg923Ser; replaces arginine 923 with serine.
Molecular consequence: missense variant. On other transcripts: non-coding transcript variant (2).
Genome position (GRCh38, 1-based): chr5:112,838,363, A>T. VCF-style: chr5-112838363-A-T. GRCh37 (hg19) VCF-style: chr5-112174060-A-T.
Other names: c.2769A>T, p.Arg923Ser (NM_001127510.3, NM_001354895.2, NM_001407450.1); c.2715A>T, p.Arg905Ser (NM_001127511.3); c.2823A>T, p.Arg941Ser (NM_001354896.2, NM_001407447.1, NM_001407448.1 and 1 more transcripts); c.2799A>T, p.Arg933Ser (NM_001354897.2); c.2694A>T, p.Arg898Ser (NM_001354898.2); c.2685A>T, p.Arg895Ser (NM_001354899.2); c.2646A>T, p.Arg882Ser (NM_001354900.2); c.2592A>T, p.Arg864Ser (NM_001354901.2, NM_001407453.1); and 11 more; short protein forms R822S, R832S, R864S, R941S, R763S, R882S, R895S, R898S.
Identifiers: ClinVar variation 3881366 (VCV003881366.1).
Genomic context (GRCh38, chr5:112,838,363, plus strand): 5'-CAGAAGTTCTGGGTCTACCACTGAATTACATTGTGTGACAGATGAGAGAAATGCACTTAG[A>T]AGAAGCTCTGCTGCCCATACACATTCAAACACTTACAATTTCACTAAGTCGGAAAATTCA-3'
Protein context (NP_000029.2, residues 913-933): HCVTDERNAL[Arg923Ser]RSSAAHTHSN